The following is an entry in ClinVar:

ClinVar aggregate classification (germline): Pathogenic. Review status: criteria provided, multiple submitters, no conflicts (2 of 4 stars). 2 submissions from 2 submitters: Pathogenic (2). Last evaluated 2021-12-08.

Conditions:
Hereditary cancer-predisposing syndrome. Also called: Tumor predisposition; Hereditary neoplastic syndrome; Neoplastic Syndromes, Hereditary; Hereditary Cancer Syndrome. Identifiers: Orphanet 140162, MedGen C0027672, MeSH D009386, MONDO:0015356.

Submissions (2):

Labcorp Genetics (formerly Invitae), Labcorp
Classification: Pathogenic for Hereditary cancer-predisposing syndrome. Last evaluated: 2021-12-08. Review status: criteria provided, single submitter. Criteria: Invitae Variant Classification Sherloc (09022015). Collection method: clinical testing. Allele origin: germline.
Comment: For these reasons, this variant has been classified as Pathogenic. ClinVar contains an entry for this variant (Variation ID: 818494). This variant has not been reported in the literature in individuals affected with RAD50-related conditions. This variant is not present in population databases (gnomAD no frequency). This sequence change creates a premature translational stop signal (p.Gln392*) in the RAD50 gene. It is expected to result in an absent or disrupted protein product. Loss-of-function variants in RAD50 are known to be pathogenic (PMID: 19409520).

Ambry Genetics
Classification: Pathogenic for Hereditary cancer-predisposing syndrome. Last evaluated: 2019-05-22. Review status: criteria provided, single submitter. Criteria: Ambry Variant Classification Scheme 2023. Collection method: clinical testing. Allele origin: germline.
Comment: The p.Q392* pathogenic mutation (also known as c.1174C>T), located in coding exon 8 of the RAD50 gene, results from a C to T substitution at nucleotide position 1174. This changes the amino acid from a glutamine to a stop codon within coding exon 8. This alteration is expected to result in loss of function by premature protein truncation or nonsense-mediated mRNA decay. As such, this alteration is interpreted as a disease-causing mutation.

Literature cited by the submitters: PubMed 19409520 (cited by Labcorp Genetics (formerly Invitae), Labcorp).

NM_005732.4(RAD50):c.1174C>T (p.Gln392Ter)

Gene: RAD50 (RAD50 double strand break repair protein; plus strand). Cytogenetic location: 5q31.1.
Variant type: single nucleotide variant.
Coding change: c.1174C>T on transcript NM_005732.4 (MANE Select); coding-DNA position 1174, C replaced by T.
Protein change: p.Gln392Ter; replaces glutamine 392 with a stop codon.
Molecular consequence: nonsense.
Genome position (GRCh38, 1-based): chr5:132,588,809, C>T. VCF-style: chr5-132588809-C-T. GRCh37 (hg19) VCF-style: chr5-131924501-C-T.
Other names: short protein forms Q392*.
Identifiers: ClinVar variation 818494 (VCV000818494.11), dbSNP rs1554098251, ClinGen allele CA360942780.
Genomic context (GRCh38, chr5:132,588,809, plus strand): 5'-CAGTCTTTGGCAACACAGCTAGAATTGGATGGCTTTGAGCGTGGACCATTCAGTGAAAGA[C>T]AGATTAAAAATTTTCACAAACTTGTGAGAGAGAGACAAGAAGGGGAAGCAAAAACTGCCA-3'